The following is an entry in ClinVar:

NM_001004334.4(GPR179):c.2684G>A (p.Arg895Gln)

Gene: GPR179 (G protein-coupled receptor 179; minus strand). Cytogenetic location: 17q12.
Variant type: single nucleotide variant.
Coding change: c.2684G>A on transcript NM_001004334.4 (MANE Select); coding-DNA position 2684, G replaced by A.
Protein change: p.Arg895Gln; replaces arginine 895 with glutamine.
Molecular consequence: missense variant.
Genome position (GRCh38, 1-based): chr17:38,330,885, C>T on the plus strand (G>A on the coding strand, the complement: GPR179 is on the minus strand). VCF-style: chr17-38330885-C-T. GRCh37 (hg19) VCF-style: chr17-36486768-C-T.
Other names: short protein forms R895Q.
Identifiers: ClinVar variation 1491104 (VCV001491104.8), dbSNP rs763256964, ClinGen allele CA290105624.

ClinVar aggregate classification (germline): Uncertain significance (1 of 4 stars; one submission).

Allele frequency attached by ClinVar (database versions not stated): ExAC 0.00001; gnomAD exomes 0.00001; TOPMed 0.00002.
gnomAD v4.1: 15 of 1,600,878 alleles (0.00094%); highest among the groups gnomAD compares: Middle Eastern, 0.017%; no homozygotes.

Submission:

Labcorp Genetics (formerly Invitae), Labcorp
Classification: Uncertain significance. Last evaluated: 2021-03-25. Review status: criteria provided, single submitter. Criteria: Invitae Variant Classification Sherloc (09022015). Collection method: clinical testing. Allele origin: germline.
Comment: In summary, the available evidence is currently insufficient to determine the role of this variant in disease. Therefore, it has been classified as a Variant of Uncertain Significance. Algorithms developed to predict the effect of missense changes on protein structure and function output the following: SIFT: "Tolerated"; PolyPhen-2: "Benign"; Align-GVGD: "Class C0". The glutamine amino acid residue is found in multiple mammalian species, suggesting that this missense change does not adversely affect protein function. These predictions have not been confirmed by published functional studies and their clinical significance is uncertain. This variant has not been reported in the literature in individuals with GPR179-related conditions. This variant is present in population databases (rs763256964, ExAC 0.002%). This sequence change replaces arginine with glutamine at codon 895 of the GPR179 protein (p.Arg895Gln). The arginine residue is moderately conserved and there is a small physicochemical difference between arginine and glutamine.